The following is an entry in ClinVar:

ClinVar aggregate classification (germline): Uncertain significance (1 of 4 stars; one submission).

Conditions:
Primary ciliary dyskinesia. Also called: Ciliary dyskinesia. Identifiers: Orphanet 244, MedGen C0008780, MONDO:0016575, HP:0012265.

Allele frequency attached by ClinVar (database versions not stated): TOPMed below 0.00001; ExAC 0.00001; gnomAD 0.00001; gnomAD exomes 0.00001.
gnomAD v4.1: 8 of 1,613,742 alleles (0.0005%); highest among the groups gnomAD compares: African/African-American, 0.0013%; no homozygotes.

Submission:

Ambry Genetics
Classification: Uncertain significance for Primary ciliary dyskinesia. Last evaluated: 2024-01-17. Review status: criteria provided, single submitter. Criteria: Ambry Variant Classification Scheme 2023. Collection method: clinical testing. Allele origin: germline.
Comment: The p.G564S variant (also known as c.1690G>A), located in coding exon 13 of the CCDC114 gene, results from a G to A substitution at nucleotide position 1690. The glycine at codon 564 is replaced by serine, an amino acid with similar properties. This amino acid position is conserved. In addition, this alteration is predicted to be tolerated by in silico analysis. Based on the available evidence, the clinical significance of this alteration remains unclear.

NM_001364171.2(ODAD1):c.1801G>A (p.Gly601Ser)

Gene: ODAD1 (outer dynein arm docking complex subunit 1; minus strand). Cytogenetic location: 19q13.33.
Variant type: single nucleotide variant.
Coding change: c.1801G>A on transcript NM_001364171.2 (MANE Select); coding-DNA position 1801, G replaced by A.
Protein change: p.Gly601Ser; replaces glycine 601 with serine.
Molecular consequence: missense variant.
Genome position (GRCh38, 1-based): chr19:48,297,299, C>T on the plus strand (G>A on the coding strand, the complement: ODAD1 is on the minus strand). VCF-style: chr19-48297299-C-T. GRCh37 (hg19) VCF-style: chr19-48800556-C-T.
Other names: c.1690G>A, p.Gly564Ser (NM_144577.4); short protein forms G564S, G601S.
Identifiers: ClinVar variation 3229183 (VCV003229183.1), dbSNP rs753419095, ClinGen allele CA9548560.
Genomic context (GRCh38, chr19:48,297,299, plus strand): 5'-CAGTGTTGGGGTCACCGTGCGTGATGTGGCTGGGCAAATGCCCAGTGCTGGAGCTGAGGC[C>T]GCCAAAAGTGACGTGGCCAAGAGAGCCACGGTCTCTGCTAGTCTTGTGGCTCAAAATGGA-3'
Protein context (NP_001351100.1, residues 591-611): RGSLGHVTFG[Gly601Ser]LSSSTGHLPS